The following is an entry in ClinVar:

GRCh37/hg19 1p31.3-22.3(chr1:61397219-85940743)x1

Genes: ACADM (acyl-CoA dehydrogenase medium chain; plus strand), ADGRL2 (adhesion G protein-coupled receptor L2; plus strand), ADGRL4 (adhesion G protein-coupled receptor L4; minus strand), AK4 (adenylate kinase 4; plus strand), AK5 (adenylate kinase 5; plus strand) and 94 more. Cytogenetic location: 1p31.3-22.3.
Variant type: copy number loss.
Change: copy number 1 (one copy instead of two) of chr1:61,397,219-85,940,743 (24.54 Mb, GRCh37 coordinates, 1-based), cytogenetic band 1p31.3-22.3.
Identifiers: ClinVar variation 4682501 (VCV004682501.1).

ClinVar aggregate classification (germline): Pathogenic (1 of 4 stars; one submission).

Submission:

Quest Diagnostics Nichols Institute San Juan Capistrano
Classification: Pathogenic. Last evaluated: 2025-01-02. Review status: criteria provided, single submitter. Criteria: ACMG/ClinGen CNV Guidelines, 2019. Collection method: clinical testing. Allele origin: unknown.
Comment: This deletion involves at least 95 protein-coding genes, including NFIA (OMIM 600727). This copy number loss partially overlaps the chromosome 1p32p31 deletion syndromic region (also referred to as ‘brain malformations with or without urinary tract defects’; OMIM 613735). Haploinsufficiency of NFIA (CCID:007549) is considered to be one of the main contributors to features of this deletion syndrome with variable expressivity reported (Bertini 2022, Biswal 2021, Colijn 2022, Dini 2023, Rao 2014). This copy number variant (CNV) is classified as pathogenic. References: Bertini et al., Genes (Basel). 2022 Nov 30;13(12):2249. PMID: 36553517 Biswal et al., Ann Indian Acad Neurol. 2021 Jan-Feb;24(1):78-80. PMID: 33911383 Colijn et al., Neurocase. 2022 Aug;28(4):382-387. PMID: 36209511 Dini et al., Front Pediatr. 2023 Oct 17:11:1292654. PMID: 37915986 Rao et al., Eur J Med Genet. 2014 Feb;57(2-3):65-70. PMID: 24462883